The following is an entry in ClinVar:

ClinVar aggregate classification (germline): Conflicting classifications of pathogenicity. Review status: criteria provided, conflicting classifications (1 of 4 stars). 6 submissions from 6 submitters: Uncertain significance (3); Likely benign (2). 1 of the submissions does not count toward it. Last evaluated 2025-12-14.

Conditions:
Retinal dystrophy. Also called: Inherited retinal dystrophy. Identifiers: Orphanet 71862, MedGen C0854723, MeSH D058499, MONDO:0019118, HP:0000556.
Bardet-Biedl syndrome 20. Identifiers: MedGen C4310707, MONDO:0023670, OMIM 619471, MONDO:0014926.
Short-rib thoracic dysplasia 10 with or without polydactyly (SRTD10). Identifiers: Orphanet 474, MedGen C3810175, MONDO:0014284, OMIM 615630.
Retinitis pigmentosa 71 (RP71). Identifiers: Orphanet 791, MedGen C4225342, MONDO:0014618, OMIM 616394.
IFT172-related disorder. Also called: IFT172-related disorders; IFT172-related condition.

Allele frequency attached by ClinVar (database versions not stated): gnomAD exomes 0.00030 and 0.00063; ExAC 0.00035; TOPMed 0.00035; gnomAD 0.00036 and 0.00039; 1000 Genomes Project 0.00040; ESP Exome Variant Server 0.00046; 1000 Genomes Project 30x 0.00062.
gnomAD v4.1: 981 of 1,612,422 alleles (0.061%); highest among the groups gnomAD compares: Non-Finnish European, 0.075%; no homozygotes.

Submissions (6):

Labcorp Genetics (formerly Invitae), Labcorp
Classification: Likely benign for Retinitis pigmentosa 71; Short-rib thoracic dysplasia 10 with or without polydactyly. Last evaluated: 2025-12-14. Review status: criteria provided, single submitter. Criteria: Invitae Variant Classification Sherloc (09022015). Collection method: clinical testing. Allele origin: germline.

Blueprint Genetics
Classification: Likely benign. Last evaluated: 2024-11-06. Review status: criteria provided, single submitter. Criteria: ACMG Guidelines, 2015. Collection method: clinical testing. Allele origin: germline.

Fulgent Genetics
Classification: Uncertain significance for Short-rib thoracic dysplasia 10 with or without polydactyly; Retinitis pigmentosa 71; Bardet-Biedl syndrome 20. Last evaluated: 2024-03-07. Review status: criteria provided, single submitter. Criteria: ACMG Guidelines, 2015. Collection method: clinical testing. Allele origin: germline.

Dept Of Ophthalmology, Nagoya University
Classification: Uncertain significance for Retinal dystrophy. Last evaluated: 2023-10-01. Review status: criteria provided, single submitter. Criteria: Submitter's publication. Collection method: research. Allele origin: germline. Affected: yes.

GeneDx
Classification: Uncertain significance. Last evaluated: 2023-01-10. Review status: criteria provided, single submitter. Criteria: GeneDx Variant Classification Process June 2021. Collection method: clinical testing. Allele origin: germline. Affected: yes.
Comment: In silico analysis supports that this missense variant has a deleterious effect on protein structure/function; Has not been previously published as pathogenic or benign to our knowledge

PreventionGenetics, part of Exact Sciences
Classification: Likely benign for IFT172-related condition. Last evaluated: 2024-06-20. Review status: no assertion criteria provided. Collection method: clinical testing. Allele origin: germline. Not counted in ClinVar's aggregate classification.
Comment: This variant is classified as likely benign based on ACMG/AMP sequence variant interpretation guidelines (Richards et al. 2015 PMID: 25741868, with internal and published modifications).

NM_015662.3(IFT172):c.4363C>T (p.Arg1455Trp)

Gene: IFT172 (intraflagellar transport 172; minus strand). Cytogenetic location: 2p23.3.
Variant type: single nucleotide variant.
Coding change: c.4363C>T on transcript NM_015662.3 (MANE Select); coding-DNA position 4363, C replaced by T.
Protein change: p.Arg1455Trp; replaces arginine 1455 with tryptophan.
Molecular consequence: missense variant.
Genome position (GRCh38, 1-based): chr2:27,448,980, G>A on the plus strand (C>T on the coding strand, the complement: IFT172 is on the minus strand). VCF-style: chr2-27448980-G-A. GRCh37 (hg19) VCF-style: chr2-27671847-G-A.
Other names: short protein forms R1455W.
Identifiers: ClinVar variation 842448 (VCV000842448.16), dbSNP rs184506506, ClinGen allele CA1579633.
Genomic context (GRCh38, chr2:27,448,980, plus strand): 5'-GGTTAGCAGGGGCTCCGTGCTGTACATACAGGGCCAATGCCTGGGCAGAGCTACCCTCCC[G>A]GATCAAGTGAGTTGCATACAAAGCCACATACTTGTGCAGAATCTTGTAGTTCTGTACAGG-3'
Protein context (NP_056477.1, residues 1445-1465): YVALYATHLI[Arg1455Trp]EGSSAQALAL